The following is an entry in ClinVar:

ClinVar aggregate classification (germline): Uncertain significance (1 of 4 stars; one submission).

Conditions:
Developmental and epileptic encephalopathy, 37 (DEE37). Also called: Epileptic encephalopathy, early infantile, 37. Identifiers: MedGen C4310770, MONDO:0014859, OMIM 616981.

Allele frequency attached by ClinVar (database versions not stated): gnomAD exomes below 0.00001.
gnomAD v4.1: 3 of 1,178,904 alleles (0.00025%); highest among the groups gnomAD compares: South Asian, 0.0037%; no homozygotes.

Submission:

Labcorp Genetics (formerly Invitae), Labcorp
Classification: Uncertain significance for Developmental and epileptic encephalopathy, 37. Last evaluated: 2022-01-14. Review status: criteria provided, single submitter. Criteria: Invitae Variant Classification Sherloc (09022015). Collection method: clinical testing. Allele origin: germline.
Comment: This sequence change replaces threonine, which is neutral and polar, with methionine, which is neutral and non-polar, at codon 72 of the FRRS1L protein (p.Thr72Met). The frequency data for this variant in the population databases is considered unreliable, as metrics indicate insufficient coverage at this position in the gnomAD database. This variant has not been reported in the literature in individuals affected with FRRS1L-related conditions. ClinVar contains an entry for this variant (Variation ID: 950492). Algorithms developed to predict the effect of missense changes on protein structure and function are either unavailable or do not agree on the potential impact of this missense change (SIFT: "Deleterious"; PolyPhen-2: "Possibly Damaging"; Align-GVGD: "Class C0"). In summary, the available evidence is currently insufficient to determine the role of this variant in disease. Therefore, it has been classified as a Variant of Uncertain Significance.

NM_014334.4(FRRS1L):c.62C>T (p.Thr21Met)

Gene: FRRS1L (ferric chelate reductase 1 like; minus strand). Cytogenetic location: 9q31.3.
Variant type: single nucleotide variant.
Coding change: c.62C>T on transcript NM_014334.4 (MANE Select); coding-DNA position 62, C replaced by T.
Protein change: p.Thr21Met; replaces threonine 21 with methionine.
Molecular consequence: missense variant.
Genome position (GRCh38, 1-based): chr9:109,167,077, G>A on the plus strand (C>T on the coding strand, the complement: FRRS1L is on the minus strand). VCF-style: chr9-109167077-G-A. GRCh37 (hg19) VCF-style: chr9-111929357-G-A.
Other names: short protein forms T21M.
Identifiers: ClinVar variation 950492 (VCV000950492.7), dbSNP rs1831564263, ClinGen allele CA374430577.